The following is an entry in ClinVar:

ClinVar aggregate classification (germline): Uncertain significance. Review status: criteria provided, multiple submitters, no conflicts (2 of 4 stars). 3 submissions from 3 submitters: Uncertain significance (2). 1 of the submissions does not count toward it. Last evaluated 2025-08-24.

Conditions:
Mucopolysaccharidosis, MPS-III-C (MPS3C). Also called: MPS IIIC (Sanfilippo Syndrome Type C); MUCOPOLYSACCHARIDOSIS, TYPE IIIC; Mucopolysaccharidosis type IIIC (Sanfilippo C); mucopolysaccharidosis type 3C; SANFILIPPO SYNDROME C; MPS III C. Identifiers: Orphanet 581, Orphanet 79271, MedGen C0086649, MONDO:0009657, OMIM 252930.
Retinitis pigmentosa 73 (RP73). Identifiers: Orphanet 791, MedGen C4225287, MONDO:0014687, OMIM 616544.
Inborn genetic diseases. Identifiers: MedGen C0950123, MeSH D030342.

Allele frequency attached by ClinVar (database versions not stated): gnomAD 0.00001.

Submissions (3):

Ambry Genetics
Classification: Uncertain significance for Inborn genetic diseases. Last evaluated: 2025-08-24. Review status: criteria provided, single submitter. Criteria: Ambry Variant Classification Scheme 2023. Collection method: clinical testing. Allele origin: germline.

Labcorp Genetics (formerly Invitae), Labcorp
Classification: Uncertain significance for Retinitis pigmentosa 73; Mucopolysaccharidosis, MPS-III-C. Last evaluated: 2024-10-25. Review status: criteria provided, single submitter. Criteria: Invitae Variant Classification Sherloc (09022015). Collection method: clinical testing. Allele origin: germline.
Comment: This sequence change replaces proline, which is neutral and non-polar, with leucine, which is neutral and non-polar, at codon 37 of the HGSNAT protein (p.Pro37Leu). This variant is present in population databases (no rsID available, gnomAD 0.01%). This variant has not been reported in the literature in individuals affected with HGSNAT-related conditions. ClinVar contains an entry for this variant (Variation ID: 1026769). Invitae Evidence Modeling of protein sequence and biophysical properties (such as structural, functional, and spatial information, amino acid conservation, physicochemical variation, residue mobility, and thermodynamic stability) indicates that this missense variant is not expected to disrupt HGSNAT protein function with a negative predictive value of 95%. In summary, the available evidence is currently insufficient to determine the role of this variant in disease. Therefore, it has been classified as a Variant of Uncertain Significance.

Natera, Inc.
Classification: Uncertain significance for Mucopolysaccharidosis type IIIC. Last evaluated: 2021-09-29. Review status: no assertion criteria provided. Collection method: clinical testing. Allele origin: germline. Not counted in ClinVar's aggregate classification.

NM_152419.3(HGSNAT):c.110C>T (p.Pro37Leu)

Genes: HGSNAT (heparan-alpha-glucosaminide N-acetyltransferase; plus strand), LOC130000316 (ATAC-STARR-seq lymphoblastoid silent region 19164; plus strand). Cytogenetic location: 8p11.21.
Variant type: single nucleotide variant.
Coding change: c.110C>T on transcript NM_152419.3 (MANE Select); coding-DNA position 110, C replaced by T.
Protein change: p.Pro37Leu; replaces proline 37 with leucine.
Molecular consequence: missense variant. On other transcripts: 5 prime UTR variant (1).
Genome position (GRCh38, 1-based): chr8:43,140,606, C>T. VCF-style: chr8-43140606-C-T. GRCh37 (hg19) VCF-style: chr8-42995749-C-T.
Other names: c.110C>T, p.Pro37Leu (NM_001363227.2, NM_001363228.2); c.-724C>T (NM_001363229.2); c.110C>T (NM_152419.2); short protein forms P37L.
Identifiers: ClinVar variation 1026769 (VCV001026769.5), dbSNP rs1465935790, ClinGen allele CA371124701.
Genomic context (GRCh38, chr8:43,140,606, plus strand): 5'-TGCTGAGCGCCGCGCTGCTGGCCCCCGGCGGCTCTTCGGGGCGCGATGCCCAGGCCGCGC[C>T]GCCACGAGGTGAGTGCACACCTCCTACCGCCGCCCGGCCGGCTACGAGCGCAGCGTCTCC-3'
Protein context (NP_689632.2, residues 27-47): GSSGRDAQAA[Pro37Leu]PRDLDKKRHA